The following is an entry in ClinVar:

ClinVar aggregate classification (germline): Pathogenic (1 of 4 stars; one submission).

Conditions:
Familial dysautonomia. Also called: HSAN III; FD. Identifiers: Orphanet 1764, MedGen C0013364, MONDO:0009131, OMIM 223900. Disease mechanism: loss of function.

Submission:

Myriad Genetics, Inc.
Classification: Pathogenic for Familial dysautonomia. Last evaluated: 2023-12-30. Review status: criteria provided, single submitter. Criteria: Myriad Autosomal Dominant, Autosomal Recessive and X-Linked Classification Criteria (2023). Collection method: clinical testing. Allele origin: unknown.
Comment: NM_003640.3(ELP1):c.2701_2702delGAinsAAT(D901Nfs*8) is expected to be pathogenic in the context of familial dysautonomia. This variant is predicted to lead to an abnormal or absent protein product due to the creation of a premature termination codon in ELP1, a gene where loss-of-function variants are known to be pathogenic. Please note: this variant was assessed in the context of healthy population screening.

NM_003640.5(ELP1):c.2701_2702delinsAAT (p.Asp901fs)

Gene: ELP1 (elongator acetyltransferase complex subunit 1; minus strand). Cytogenetic location: 9q31.3.
Variant type: Indel.
Coding change: c.2701_2702delinsAAT on transcript NM_003640.5 (MANE Select); coding-DNA positions 2701 to 2702, GA replaced by AAT.
Protein change: p.Asp901fs; shifts the reading frame from aspartic acid 901.
Molecular consequence: frameshift variant.
Genome position (GRCh38, 1-based): chr9:108,896,530-108,896,531, TC replaced by ATT on the plus strand (GA replaced by AAT on the coding strand, the reverse complement: ELP1 is on the minus strand). VCF-style: chr9-108896530-TC-ATT. GRCh37 (hg19) VCF-style: chr9-111658810-TC-ATT.
Other names: c.2359_2360delinsAAT, p.Asp787fs (NM_001318360.2); c.1654_1655delinsAAT, p.Asp552fs (NM_001330749.2); short protein forms D552fs, D787fs, D901fs.
Identifiers: ClinVar variation 5012618 (VCV005012618.1).